The following is an entry in ClinVar:

ClinVar aggregate classification (germline): Likely benign (1 of 4 stars; one submission).

Submission:

CeGaT Center for Human Genetics Tuebingen
Classification: Likely benign. Last evaluated: 2025-09-01. Review status: criteria provided, single submitter. Criteria: CeGaT Center For Human Genetics Tuebingen Variant Classification Criteria Version 2. Collection method: clinical testing. Allele origin: germline. Affected: yes. Observed: 1 variant allele.
Comment: EXOC3L2: PM2:Supporting, BP4, BP7

NM_001382422.1(EXOC3L2):c.277C>T (p.Leu93=)

Gene: EXOC3L2 (exocyst complex component 3 like 2; minus strand). Cytogenetic location: 19q13.32.
Variant type: single nucleotide variant.
Coding change: c.277C>T on transcript NM_001382422.1 (MANE Select); coding-DNA position 277, C replaced by T.
Protein change: p.Leu93=; no amino-acid change (leucine 93 retained).
Molecular consequence: synonymous variant.
Genome position (GRCh38, 1-based): chr19:45,238,769, G>A on the plus strand (C>T on the coding strand, the complement: EXOC3L2 is on the minus strand). VCF-style: chr19-45238769-G-A. GRCh37 (hg19) VCF-style: chr19-45742027-G-A.
Identifiers: ClinVar variation 4281067 (VCV004281067.7).
Genomic context (GRCh38, chr19:45,238,769, plus strand): 5'-TCCCATGCAGCCGGGCCAGGAGGCCAAAATCTGCTGAGCTCCTGCGTATCCCTGGTACCA[G>A]CACACGGCCCAAGAAAGAGCGGGGCTGCCCATCCCCAGGGCTGCCTGCCCGCCGGCCCGG-3'
Protein context (NP_001369351.1, residues 83-103): GQPRSFLGRV[Leu93=]VPGIRRSSAD